The following is an entry in ClinVar:

NM_198428.3(BBS9):c.617+7_617+8del

Gene: BBS9 (Bardet-Biedl syndrome 9; plus strand). Cytogenetic location: 7p14.3.
Variant type: Deletion.
Coding change: c.617+7_617+8del on transcript NM_198428.3 (MANE Select); bases 7 to 8 of the intron after coding-DNA position 617, 2 bases deleted (TT; older notation c.617+7_617+8delTT).
Molecular consequence: intron variant.
Genome position (GRCh38, 1-based): chr7:33,257,417-33,257,418, TT deleted; deleting any 2 consecutive bases within chr7:33,257,416-33,257,418 gives the same sequence; the c. name uses the placement nearest the transcript's 3' end. VCF-style (leftmost placement, unchanged base first): chr7-33257415-GTT-G. GRCh37 (hg19) VCF-style: chr7-33297027-GTT-G.
Other names: c.617+7_617+8del (NM_001348036.1, NM_001362679.1, NM_001348041.4 and 5 more transcripts); c.344+7_344+8del (NM_001348038.3, NM_001348039.3); c.251+7_251+8del (NM_001348037.3, NM_001348045.3, NM_001348046.3 and 1 more transcripts); c.482+7_482+8del (NM_001348042.3).
Identifiers: ClinVar variation 3349407 (VCV003349407.3).

ClinVar aggregate classification (germline): Likely benign. Review status: criteria provided, single submitter (1 of 4 stars). 2 submissions from 2 submitters: Likely benign (1). 1 of the submissions does not count toward it. Last evaluated 2025-12-29.

Conditions:
BBS9-related disorder. Also called: BBS9-related condition.
Bardet-Biedl syndrome (BBS). Identifiers: Orphanet 110, MedGen C0752166, MONDO:0015229.

Submissions (2):

Labcorp Genetics (formerly Invitae), Labcorp
Classification: Likely benign for Bardet-Biedl syndrome. Last evaluated: 2025-12-29. Review status: criteria provided, single submitter. Criteria: Invitae Variant Classification Sherloc (09022015). Collection method: clinical testing. Allele origin: germline.

PreventionGenetics, part of Exact Sciences
Classification: Likely benign for BBS9-related condition. Last evaluated: 2023-09-12. Review status: no assertion criteria provided. Collection method: clinical testing. Allele origin: germline. Not counted in ClinVar's aggregate classification.
Comment: This variant is classified as likely benign based on ACMG/AMP sequence variant interpretation guidelines (Richards et al. 2015 PMID: 25741868, with internal and published modifications).